The following is an entry in ClinVar:

ClinVar aggregate classification (germline): Uncertain significance. Review status: criteria provided, multiple submitters, no conflicts (2 of 4 stars). 2 submissions from 2 submitters: Uncertain significance (2). Last evaluated 2026-01-16.

Submissions (2):

Labcorp Genetics (formerly Invitae), Labcorp
Classification: Uncertain significance. Last evaluated: 2026-01-16. Review status: criteria provided, single submitter. Criteria: Invitae Variant Classification Sherloc (09022015). Collection method: clinical testing. Allele origin: germline.
Comment: This sequence change replaces alanine, which is neutral and non-polar, with aspartic acid, which is acidic and polar, at codon 1631 of the ZDBF2 protein (p.Ala1631Asp). This variant is present in population databases (rs775954572, gnomAD 0.005%). This variant has not been reported in the literature in individuals affected with ZDBF2-related conditions. ClinVar contains an entry for this variant (Variation ID: 4204571). An algorithm developed to predict the effect of missense changes on protein structure and function outputs the following: PolyPhen-2: "Possibly Damaging". The aspartic acid amino acid residue is found in multiple mammalian species, which suggests that this missense change does not adversely affect protein function. In summary, the available evidence is currently insufficient to determine the role of this variant in disease. Therefore, it has been classified as a Variant of Uncertain Significance.

Ambry Genetics
Classification: Uncertain significance. Last evaluated: 2025-07-13. Review status: criteria provided, single submitter. Criteria: Ambry Variant Classification Scheme 2023. Collection method: clinical testing. Allele origin: germline.

NM_020923.3(ZDBF2):c.4892C>A (p.Ala1631Asp)

Gene: ZDBF2 (zinc finger DBF-type containing 2; plus strand). Cytogenetic location: 2q33.3.
Variant type: single nucleotide variant.
Coding change: c.4892C>A on transcript NM_020923.3 (MANE Select); coding-DNA position 4892, C replaced by A.
Protein change: p.Ala1631Asp; replaces alanine 1631 with aspartic acid.
Molecular consequence: missense variant.
Genome position (GRCh38, 1-based): chr2:206,309,420, C>A. VCF-style: chr2-206309420-C-A. GRCh37 (hg19) VCF-style: chr2-207174144-C-A.
Other names: c.4886C>A, p.Ala1629Asp (NM_001285549.2); c.4892C>A, p.Ala1631Asp (NM_001369654.1); short protein forms A1629D, A1631D.
Identifiers: ClinVar variation 4204571 (VCV004204571.2).
Genomic context (GRCh38, chr2:206,309,420, plus strand): 5'-TTATTCTGGGAGAGCCAAGTTGTCAATCTTGTGGTTCTGAAATGAATTTTAATGTTGATG[C>A]CTCTGATCAGTCCATGACTTACGAGTCACAAGGACCTGATGAGAAAATGGTGAAATATAT-3'
Protein context (NP_065974.1, residues 1621-1641): CGSEMNFNVD[Ala1631Asp]SDQSMTYESQ